The following is an entry in ClinVar:

ClinVar aggregate classification (germline): Uncertain significance (1 of 4 stars; one submission).

Conditions:
Progressive myoclonic epilepsy type 8. Identifiers: Orphanet 424027, MedGen C5190825, MONDO:0014545, OMIM 616230.

Submission:

Labcorp Genetics (formerly Invitae), Labcorp
Classification: Uncertain significance for Progressive myoclonic epilepsy type 8. Last evaluated: 2022-02-01. Review status: criteria provided, single submitter. Criteria: Invitae Variant Classification Sherloc (09022015). Collection method: clinical testing. Allele origin: germline.
Comment: This variant has not been reported in the literature in individuals affected with CERS1-related conditions. This variant is not present in population databases (gnomAD no frequency). This sequence change replaces serine, which is neutral and polar, with glycine, which is neutral and non-polar, at codon 212 of the CERS1 protein (p.Ser212Gly). Algorithms developed to predict the effect of missense changes on protein structure and function (SIFT, PolyPhen-2, Align-GVGD) all suggest that this variant is likely to be tolerated. In summary, the available evidence is currently insufficient to determine the role of this variant in disease. Therefore, it has been classified as a Variant of Uncertain Significance.

NM_021267.5(CERS1):c.634A>G (p.Ser212Gly)

Genes: CERS1 (ceramide synthase 1; minus strand), GDF1 (growth differentiation factor 1; minus strand). Cytogenetic location: 19p13.11.
Variant type: single nucleotide variant.
Coding change: c.634A>G on transcript NM_021267.5 (MANE Select); coding-DNA position 634, A replaced by G.
Protein change: p.Ser212Gly; replaces serine 212 with glycine.
Molecular consequence: missense variant. On other transcripts: 5 prime UTR variant (1), splice acceptor variant (1), intron variant (1).
Genome position (GRCh38, 1-based): chr19:18,880,392, T>C on the plus strand (A>G on the coding strand, the complement: CERS1 is on the minus strand). VCF-style: chr19-18880392-T-C. GRCh37 (hg19) VCF-style: chr19-18991201-T-C.
Other names: c.-689A>G (NM_001492.6); c.591-2A>G (NM_001387441.1); c.-313+3695A>G (NM_001387438.1); c.340A>G, p.Ser114Gly (NM_001290265.2, NM_001387442.1, NM_001387443.1 and 2 more transcripts); c.634A>G, p.Ser212Gly (NM_001387439.1, NM_001387440.1, NM_198207.3); short protein forms S212G, S114G.
Identifiers: ClinVar variation 2091545 (VCV002091545.4), dbSNP rs2056174313, ClinGen allele CA404866537.